The following is an entry in ClinVar:

NM_001164277.2(SLC37A4):c.122A>G (p.Glu41Gly)

Gene: SLC37A4 (solute carrier family 37 member 4; minus strand). Cytogenetic location: 11q23.3.
Variant type: single nucleotide variant.
Coding change: c.122A>G on transcript NM_001164277.2 (MANE Select); coding-DNA position 122, A replaced by G.
Protein change: p.Glu41Gly; replaces glutamic acid 41 with glycine.
Molecular consequence: missense variant. On other transcripts: intron variant (1).
Genome position (GRCh38, 1-based): chr11:119,029,248, T>C on the plus strand (A>G on the coding strand, the complement: SLC37A4 is on the minus strand). VCF-style: chr11-119029248-T-C. GRCh37 (hg19) VCF-style: chr11-118899958-T-C.
Other names: c.122A>G, p.Glu41Gly (NM_001164278.2, NM_001164280.2, NM_001467.6); c.-172+144A>G (NM_001164279.2); short protein forms E41G.
Identifiers: ClinVar variation 557038 (VCV000557038.5), dbSNP rs782470624, ClinGen allele CA6311910.
Genomic context (GRCh38, chr11:119,029,248, plus strand): 5'-CCCAGGTCCACCACCCTGCTGTTTCAGGGCTCACCCAAATCATCCTTGTCCAAAGGGATC[T>C]CTTCCACCAATGATGGCATGACAAAGGAGAAGGTCTTGCGATTGAAGTAATACAGGCTGT-3'
Protein context (NP_001157749.1, residues 31-51): FSFVMPSLVE[Glu41Gly]IPLDKDDLGF

ClinVar aggregate classification (germline): Uncertain significance. Review status: criteria provided, single submitter (1 of 4 stars). 2 submissions from 2 submitters: Uncertain significance (1). 1 of the submissions does not count toward it. Last evaluated 2023-01-20.

Conditions:
Glucose-6-phosphate transport defect (GSD1B). Also called: Glycogen Storage Disease Type Ib; GSD Ib. Identifiers: Orphanet 364, Orphanet 79259, MedGen C0268146, MONDO:0009288, OMIM 232220.

Allele frequency attached by ClinVar (database versions not stated): gnomAD exomes below 0.00001; ExAC 0.00001.

Submissions (2):

Labcorp Genetics (formerly Invitae), Labcorp
Classification: Uncertain significance for Glucose-6-phosphate transport defect. Last evaluated: 2023-01-20. Review status: criteria provided, single submitter. Criteria: Invitae Variant Classification Sherloc (09022015). Collection method: clinical testing. Allele origin: germline.
Comment: In summary, the available evidence is currently insufficient to determine the role of this variant in disease. Therefore, it has been classified as a Variant of Uncertain Significance. Advanced modeling of protein sequence and biophysical properties (such as structural, functional, and spatial information, amino acid conservation, physicochemical variation, residue mobility, and thermodynamic stability) performed at Invitae indicates that this missense variant is not expected to disrupt SLC37A4 protein function. ClinVar contains an entry for this variant (Variation ID: 557038). This variant has not been reported in the literature in individuals affected with SLC37A4-related conditions. This variant is present in population databases (rs782470624, gnomAD 0.003%). This sequence change replaces glutamic acid, which is acidic and polar, with glycine, which is neutral and non-polar, at codon 41 of the SLC37A4 protein (p.Glu41Gly).

Counsyl
Classification: Uncertain significance for Glucose-6-phosphate transport defect. Last evaluated: 2018-03-06. Review status: no assertion criteria provided. Collection method: clinical testing. Allele origin: unknown. Not counted in ClinVar's aggregate classification.